The following is an entry in ClinVar:

NC_000007.14:g.156779376A>G

Genes: LMBR1 (limb development membrane protein 1; minus strand), SHH (sonic hedgehog signaling molecule; minus strand). Cytogenetic location: 7q36.3.
Variant type: single nucleotide variant.
Molecular consequence: intron variant (on NM_022458.4).
Genome position: GRCh38 VCF-style: chr7-156779376-A-G. GRCh37 (hg19) VCF-style: chr7-156572070-A-G.
Other names: c.361-15581T>C (NM_001363412.2); c.145-15581T>C (NM_001350954.2); c.424-15581T>C (NM_001363410.2, NM_022458.4, NM_001363409.2 and 1 more transcripts); c.-34+279T>C (NM_001350958.2, NM_001350956.2, NM_001350955.2 and 1 more transcripts); c.55-15581T>C (NM_001350957.2, NM_001363411.2).
Identifiers: ClinVar variation 2857951 (VCV002857951.3), dbSNP rs1826715096, ClinGen allele CA1109169918.

ClinVar aggregate classification (germline): Uncertain significance (1 of 4 stars; one submission).

Conditions:
Holoprosencephaly 3 (HPE3). Identifiers: Orphanet 2162, MedGen C1840529, MONDO:0007733, OMIM 142945.

Allele frequency attached by ClinVar (database versions not stated): gnomAD 0.00001.
gnomAD v4.1: 1 of 152,204 alleles (0.00066%); highest among the groups gnomAD compares: Non-Finnish European, 0.0015%; no homozygotes.

Submission:

Labcorp Genetics (formerly Invitae), Labcorp
Classification: Uncertain significance for Holoprosencephaly 3. Last evaluated: 2023-05-11. Review status: criteria provided, single submitter. Criteria: Invitae Variant Classification Sherloc (09022015). Collection method: clinical testing. Allele origin: germline.
Comment: In summary, the available evidence is currently insufficient to determine the role of this variant in disease. Therefore, it has been classified as a Variant of Uncertain Significance. Experimental studies and prediction algorithms are not available or were not evaluated, and the functional significance of this variant is currently unknown. This variant has not been reported in the literature in individuals affected with SHH-related conditions. This variant is not present in population databases (gnomAD no frequency). This variant occurs in a non-coding region of the SHH gene. It does not change the encoded amino acid sequence of the SHH protein.